The following is an entry in ClinVar:

ClinVar aggregate classification (germline): Uncertain significance (1 of 4 stars; one submission).

Submission:

Labcorp Genetics (formerly Invitae), Labcorp
Classification: Uncertain significance. Last evaluated: 2022-07-23. Review status: criteria provided, single submitter. Criteria: Invitae Variant Classification Sherloc (09022015). Collection method: clinical testing. Allele origin: germline.
Comment: This sequence change replaces valine, which is neutral and non-polar, with methionine, which is neutral and non-polar, at codon 28 of the ADAMTS18 protein (p.Val28Met). Information on the frequency of this variant in the gnomAD database is not available, as this variant may be reported differently in the database. This variant has not been reported in the literature in individuals affected with ADAMTS18-related conditions. ClinVar contains an entry for this variant (Variation ID: 856984). Experimental studies and prediction algorithms are not available or were not evaluated, and the functional significance of this variant is currently unknown. In summary, the available evidence is currently insufficient to determine the role of this variant in disease. Therefore, it has been classified as a Variant of Uncertain Significance.

NM_199355.4(ADAMTS18):c.81_82delinsAA (p.Val28Met)

Gene: ADAMTS18 (ADAM metallopeptidase with thrombospondin type 1 motif 18; minus strand). Cytogenetic location: 16q23.1.
Variant type: Indel.
Coding change: c.81_82delinsAA on transcript NM_199355.4 (MANE Select); coding-DNA positions 81 to 82, CG replaced by AA.
Protein change: p.Val28Met; replaces valine 28 with methionine.
Molecular consequence: missense variant. On other transcripts: 5 prime UTR variant (1).
Genome position (GRCh38, 1-based): chr16:77,434,614-77,434,615, CG replaced by TT on the plus strand (CG replaced by AA on the coding strand, the reverse complement: ADAMTS18 is on the minus strand). VCF-style: chr16-77434614-CG-TT. GRCh37 (hg19) VCF-style: chr16-77468511-CG-TT.
Other names: c.-440_-439delinsAA (NM_001326358.2); short protein forms V28M.
Identifiers: ClinVar variation 856984 (VCV000856984.7), dbSNP rs2057774894, ClinGen allele CA916083504.